The following is an entry in ClinVar:

ClinVar aggregate classification (germline): Uncertain significance (1 of 4 stars; one submission).

Conditions:
Fanconi anemia (FA). Also called: Fanconi's anemia. Identifiers: Orphanet 84, MedGen C0015625, MeSH D005199, MONDO:0019391.

Allele frequency attached by ClinVar (database versions not stated): gnomAD exomes below 0.00001.
gnomAD v4.1: 1 of 1,614,186 alleles (0.000062%); highest among the groups gnomAD compares: Non-Finnish European, 0.000085%; no homozygotes.

Submission:

Labcorp Genetics (formerly Invitae), Labcorp
Classification: Uncertain significance for Fanconi anemia. Last evaluated: 2022-06-22. Review status: criteria provided, single submitter. Criteria: Invitae Variant Classification Sherloc (09022015). Collection method: clinical testing. Allele origin: germline.
Comment: ClinVar contains an entry for this variant (Variation ID: 964288). This variant has not been reported in the literature in individuals affected with SLX4-related conditions. This variant is not present in population databases (gnomAD no frequency). This sequence change replaces glutamine, which is neutral and polar, with proline, which is neutral and non-polar, at codon 1604 of the SLX4 protein (p.Gln1604Pro). In summary, the available evidence is currently insufficient to determine the role of this variant in disease. Therefore, it has been classified as a Variant of Uncertain Significance. Algorithms developed to predict the effect of missense changes on protein structure and function are either unavailable or do not agree on the potential impact of this missense change (SIFT: "Deleterious"; PolyPhen-2: "Probably Damaging"; Align-GVGD: "Class C15").

NM_032444.4(SLX4):c.4811A>C (p.Gln1604Pro)

Gene: SLX4 (SLX4 structure-specific endonuclease subunit; minus strand). Cytogenetic location: 16p13.3.
Variant type: single nucleotide variant.
Coding change: c.4811A>C on transcript NM_032444.4 (MANE Select); coding-DNA position 4811, A replaced by C.
Protein change: p.Gln1604Pro; replaces glutamine 1604 with proline.
Molecular consequence: missense variant.
Genome position (GRCh38, 1-based): chr16:3,583,439, T>G on the plus strand (A>C on the coding strand, the complement: SLX4 is on the minus strand). VCF-style: chr16-3583439-T-G. GRCh37 (hg19) VCF-style: chr16-3633440-T-G.
Other names: short protein forms Q1604P.
Identifiers: ClinVar variation 964288 (VCV000964288.9), dbSNP rs2040467275, ClinGen allele CA394515328.